The following is an entry in ClinVar:

NM_001267550.2(TTN):c.31564A>G (p.Ile10522Val)

Gene: TTN (titin; minus strand). Cytogenetic location: 2q31.2.
Variant type: single nucleotide variant.
Coding change: c.31564A>G on transcript NM_001267550.2 (MANE Select); coding-DNA position 31564, A replaced by G.
Protein change: p.Ile10522Val; replaces isoleucine 10522 with valine.
Molecular consequence: missense variant. On other transcripts: intron variant (3).
Genome position (GRCh38, 1-based): chr2:178,693,639, T>C on the plus strand (A>G on the coding strand, the complement: TTN is on the minus strand). VCF-style: chr2-178693639-T-C. GRCh37 (hg19) VCF-style: chr2-179558366-T-C.
Other names: p.I10205V:ATT>GTT; c.30613A>G, p.Ile10205Val (NM_001256850.1); c.27832A>G, p.Ile9278Val (NM_133378.4); c.13282+44443A>G (NM_003319.4); c.13858+44443A>G (NM_133437.4); c.13657+44443A>G (NM_133432.3); short protein forms I10522V, I10205V, I9278V.
Identifiers: ClinVar variation 46852 (VCV000046852.35), dbSNP rs2042995, ClinGen allele CA283096.

ClinVar aggregate classification (germline): Benign/Likely benign. Review status: criteria provided, multiple submitters, no conflicts (2 of 4 stars). 23 submissions from 16 submitters: Benign (19); Likely benign (2). 2 of the submissions do not count toward it. Last evaluated 2026-02-04.

Conditions:
Cardiovascular phenotype. Identifiers: MedGen CN230736.
Dilated cardiomyopathy 1G (CMD1G). Identifiers: Orphanet 154, MedGen C1858763, MONDO:0011400, OMIM 604145.
Autosomal recessive limb-girdle muscular dystrophy type 2J (LGMDR10). Also called: MUSCULAR DYSTROPHY, LIMB-GIRDLE, AUTOSOMAL RECESSIVE 10; Limb-girdle muscular dystrophy, type 2J. Identifiers: Orphanet 140922, MedGen C1837342, MONDO:0012127, OMIM 608807.
Early-onset myopathy with fatal cardiomyopathy (CMYO5). Also called: CONGENITAL MYOPATHY 5 WITH CARDIOMYOPATHY; Salih Myopathy. Identifiers: Orphanet 289377, MedGen C2673677, MONDO:0012714, OMIM 611705. Disease mechanism: loss of function.
Myopathy, myofibrillar, 9, with early respiratory failure (MFM9). Also called: Myopathy, distal, with early respiratory failure, autosomal dominant; Hereditary myopathy with early respiratory failure; MYOPATHY, PROXIMAL, WITH EARLY RESPIRATORY MUSCLE INVOLVEMENT; EDSTROM MYOPATHY. Identifiers: Orphanet 178464, Orphanet 34521, MedGen C1863599, MONDO:0011362, OMIM 603689.
Tibial muscular dystrophy (TMD). Also called: Udd Distal Myopathy – Tibial Muscular Dystrophy; Tibial muscular dystrophy, tardive; UDD MYOPATHY. Identifiers: Orphanet 609, MedGen C1838244, MONDO:0010870, OMIM 600334.

Allele frequency attached by ClinVar (database versions not stated): ExAC 0.35364; gnomAD exomes 0.26378 and 0.33658; ESP Exome Variant Server 0.32966; TOPMed 0.37707; gnomAD 0.35566 and 0.35909; 1000 Genomes Project 30x 0.47783; 1000 Genomes Project 0.47784.
gnomAD v4.1: 437,680 of 1,596,826 alleles (27%); highest among the groups gnomAD compares: East Asian, 56%; 69,862 homozygotes.

Submissions (23):

Labcorp Genetics (formerly Invitae), Labcorp
Classification: Benign for Dilated cardiomyopathy 1G; Autosomal recessive limb-girdle muscular dystrophy type 2J. Last evaluated: 2026-02-04. Review status: criteria provided, single submitter. Criteria: Invitae Variant Classification Sherloc (09022015). Collection method: clinical testing. Allele origin: germline.

Molecular Diagnostic Laboratory for Inherited Cardiovascular Disease, Montreal Heart Institute
Classification: Benign. Last evaluated: 2025-04-09. Review status: criteria provided, single submitter. Criteria: ACMG Guidelines, 2015. Collection method: clinical testing. Allele origin: germline. Affected: no.

Genome-Nilou Lab
Classification: Benign for Autosomal recessive limb-girdle muscular dystrophy type 2J. Last evaluated: 2021-09-10. Review status: criteria provided, single submitter. Criteria: ACMG Guidelines, 2015. Collection method: clinical testing. Allele origin: germline. Affected: no.

Genome-Nilou Lab
Classification: Benign for Myopathy, myofibrillar, 9, with early respiratory failure. Last evaluated: 2021-09-10. Review status: criteria provided, single submitter. Criteria: ACMG Guidelines, 2015. Collection method: clinical testing. Allele origin: germline. Affected: no.

Genome-Nilou Lab
Classification: Benign for Early-onset myopathy with fatal cardiomyopathy. Last evaluated: 2021-09-10. Review status: criteria provided, single submitter. Criteria: ACMG Guidelines, 2015. Collection method: clinical testing. Allele origin: germline. Affected: no.

Genome-Nilou Lab
Classification: Benign for Tibial muscular dystrophy. Last evaluated: 2021-09-10. Review status: criteria provided, single submitter. Criteria: ACMG Guidelines, 2015. Collection method: clinical testing. Allele origin: germline. Affected: no.

Women's Health and Genetics/Laboratory Corporation of America, LabCorp
Classification: Likely benign. Last evaluated: 2020-08-18. Review status: criteria provided, single submitter. Criteria: LabCorp Variant Classification Summary - May 2015. Collection method: clinical testing. Allele origin: germline.

Athena Diagnostics
Classification: Benign. Last evaluated: 2019-02-19. Review status: criteria provided, single submitter. Criteria: Athena Diagnostics Criteria. Collection method: clinical testing. Allele origin: germline.

Illumina Laboratory Services, Illumina
Classification: Benign for Early-onset myopathy with fatal cardiomyopathy. Last evaluated: 2018-01-13. Review status: criteria provided, single submitter. Criteria: ICSL Variant Classification Criteria 13 December 2019. Collection method: clinical testing. Allele origin: germline.
Comment: This variant was observed in the ICSL laboratory as part of a predisposition screen in an ostensibly healthy population. It had not been previously curated by ICSL or reported in the Human Gene Mutation Database (HGMD: prior to June 1st, 2018), and was therefore a candidate for classification through an automated scoring system. Utilizing variant allele frequency, disease prevalence and penetrance estimates, and inheritance mode, an automated score was calculated to assess if this variant is too frequent to cause the disease. Based on the score and internal cut-off values, a variant classified as benign is not then subjected to further curation. The score for this variant resulted in a classification of benign for this disease.

Illumina Laboratory Services, Illumina
Classification: Benign for Autosomal recessive limb-girdle muscular dystrophy type 2J. Last evaluated: 2018-01-13. Review status: criteria provided, single submitter. Criteria: ICSL Variant Classification Criteria 13 December 2019. Collection method: clinical testing. Allele origin: germline.
Comment: the same text as in the submission from Illumina Laboratory Services, Illumina above.

Illumina Laboratory Services, Illumina
Classification: Benign for Dilated cardiomyopathy 1G. Last evaluated: 2018-01-13. Review status: criteria provided, single submitter. Criteria: ICSL Variant Classification Criteria 13 December 2019. Collection method: clinical testing. Allele origin: germline.
Comment: the same text as in the submission from Illumina Laboratory Services, Illumina above.

Illumina Laboratory Services, Illumina
Classification: Benign for Myopathy, myofibrillar, 9, with early respiratory failure. Last evaluated: 2018-01-13. Review status: criteria provided, single submitter. Criteria: ICSL Variant Classification Criteria 13 December 2019. Collection method: clinical testing. Allele origin: germline.
Comment: the same text as in the submission from Illumina Laboratory Services, Illumina above.

Illumina Laboratory Services, Illumina
Classification: Benign for Tibial muscular dystrophy. Last evaluated: 2018-01-13. Review status: criteria provided, single submitter. Criteria: ICSL Variant Classification Criteria 13 December 2019. Collection method: clinical testing. Allele origin: germline.
Comment: the same text as in the submission from Illumina Laboratory Services, Illumina above.

Mayo Clinic Laboratories, Mayo Clinic
Classification: Benign. Last evaluated: 2017-08-24. Review status: criteria provided, single submitter. Criteria: ACMG Guidelines, 2015. Collection method: clinical testing. Allele origin: germline. Observed: 1,167 variant alleles.

Genetic Services Laboratory, University of Chicago
Classification: Benign for AllHighlyPenetrant. Last evaluated: 2013-08-15. Review status: criteria provided, single submitter. Criteria: ACMG Guidelines, 2007. Collection method: clinical testing. Allele origin: germline.

Biesecker Lab/Clinical Genomics Section, National Institutes of Health
Classification: Benign. Last evaluated: 2013-06-24. Review status: criteria provided, single submitter. Criteria: Ng et al. (Circ Cardiovasc Genet. 2013). Collection method: research. Allele origin: unknown. Observed: 217 variant alleles. Study: ClinSeq.
Comment: The study set was not selected for affection status in relation to any cancer. Pathogenicity categories were based on literature curation. See Pubmed ID:23861362 for details.

Medical sequencing

Ambry Genetics
Classification: Benign for Cardiovascular phenotype. Last evaluated: 2013-01-16. Review status: criteria provided, single submitter. Criteria: Ambry Autosomal Dominant and X-Linked criteria (10/2015). Collection method: clinical testing. Allele origin: germline. Observed: 1 variant allele.

GeneDx
Classification: Benign. Last evaluated: 2012-10-31. Review status: criteria provided, single submitter. Criteria: GeneDx Variant Classification (06012015). Collection method: clinical testing. Allele origin: germline. Affected: yes.
Comment: This variant is considered likely benign or benign based on one or more of the following criteria: it is a conservative change, it occurs at a poorly conserved position in the protein, it is predicted to be benign by multiple in silico algorithms, and/or has population frequency not consistent with disease.

Laboratory for Molecular Medicine, Mass General Brigham Personalized Medicine
Classification: Benign. Last evaluated: 2011-09-27. Review status: criteria provided, single submitter. Criteria: LMM Criteria. Collection method: clinical testing. Allele origin: germline. Observed: 955 variant alleles.

Breakthrough Genomics
Classification: Likely benign. Review status: criteria provided, single submitter. Criteria: ACMG Guidelines, 2015. Collection method: not provided. Allele origin: germline. Inheritance: Autosomal recessive inheritance. Affected: yes.

PreventionGenetics, part of Exact Sciences
Classification: Benign. Review status: criteria provided, single submitter. Criteria: ACMG Guidelines, 2015. Collection method: clinical testing. Allele origin: germline.

Clinical Genetics DNA and cytogenetics Diagnostics Lab, Erasmus MC, Erasmus Medical Center
Classification: Benign. Review status: no assertion criteria provided. Collection method: clinical testing. Allele origin: germline. Affected: yes. Study: VKGL Data-share Consensus. Not counted in ClinVar's aggregate classification.

Clinical Genetics, Academic Medical Center
Classification: Benign. Review status: no assertion criteria provided. Collection method: clinical testing. Allele origin: germline. Affected: yes. Study: VKGL Data-share Consensus. Not counted in ClinVar's aggregate classification.